The following is an entry in ClinVar:

ClinVar aggregate classification (germline): Likely benign. Review status: criteria provided, single submitter (1 of 4 stars). 2 submissions from 2 submitters: Likely benign (1). 1 of the submissions does not count toward it. Last evaluated 2025-02-24.

Conditions:
FLAD1-related disorder. Also called: FLAD1-related condition.

Allele frequency attached by ClinVar (database versions not stated): gnomAD 0.00001; TOPMed below 0.00001.

Submissions (2):

Mayo Clinic Laboratories, Mayo Clinic
Classification: Likely benign. Last evaluated: 2025-02-24. Review status: criteria provided, single submitter. Criteria: ACMG Guidelines, 2015. Collection method: clinical testing. Allele origin: germline. Observed: 1 variant allele.
Comment: BP4, BP7

PreventionGenetics, part of Exact Sciences
Classification: Likely benign for FLAD1-related condition. Last evaluated: 2022-03-22. Review status: no assertion criteria provided. Collection method: clinical testing. Allele origin: germline. Not counted in ClinVar's aggregate classification.
Comment: This variant is classified as likely benign based on ACMG/AMP sequence variant interpretation guidelines (Richards et al. 2015 PMID: 25741868, with internal and published modifications).

NM_025207.5(FLAD1):c.675C>G (p.Ser225=)

Gene: FLAD1 (flavin adenine dinucleotide synthetase 1; plus strand). Cytogenetic location: 1q21.3.
Variant type: single nucleotide variant.
Coding change: c.675C>G on transcript NM_025207.5 (MANE Select); coding-DNA position 675, C replaced by G.
Protein change: p.Ser225=; no amino-acid change (serine 225 retained).
Molecular consequence: synonymous variant.
Genome position (GRCh38, 1-based): chr1:154,988,407, C>G. VCF-style: chr1-154988407-C-G. GRCh37 (hg19) VCF-style: chr1-154960883-C-G.
Other names: p.Ser225=; c.384C>G, p.Ser128= (NM_001184891.2, NM_201398.3); c.378C>G, p.Ser126= (NM_001184892.2).
Identifiers: ClinVar variation 3030194 (VCV003030194.3), dbSNP rs1281503926, ClinGen allele CA421236976.